The following is an entry in ClinVar:

NM_002224.4(ITPR3):c.6443C>T (p.Thr2148Met)

Gene: ITPR3 (inositol 1,4,5-trisphosphate receptor type 3; plus strand). Cytogenetic location: 6p21.31.
Variant type: single nucleotide variant.
Coding change: c.6443C>T on transcript NM_002224.4 (MANE Select); coding-DNA position 6443, C replaced by T.
Protein change: p.Thr2148Met; replaces threonine 2148 with methionine.
Molecular consequence: missense variant.
Genome position (GRCh38, 1-based): chr6:33,688,306, C>T. VCF-style: chr6-33688306-C-T. GRCh37 (hg19) VCF-style: chr6-33656083-C-T.
Other names: short protein forms T2148M.
Identifiers: ClinVar variation 4088831 (VCV004088831.3).

ClinVar aggregate classification (germline): Uncertain significance. Review status: criteria provided, multiple submitters, no conflicts (2 of 4 stars). 2 submissions from 2 submitters: Uncertain significance (2). Last evaluated 2026-03-05.

gnomAD v4.1: 40 of 1,614,064 alleles (0.0025%); highest among the groups gnomAD compares: Admixed American, 0.02%; no homozygotes.

Submissions (2):

Dasa
Classification: Uncertain significance. Last evaluated: 2026-03-05. Review status: criteria provided, single submitter. Criteria: DASA Assertion Criteria. Collection method: clinical testing. Allele origin: germline.
Comment: NM_002224.4(ITPR3):c.6443C>T (p.Thr2148Met) is a missense variant that results in the substitution of threonine with methionine. This variant is rare in population databases. Computational prediction algorithms are consistent with a deleterious effect. The currently available literature and clinical evidence are not sufficient to establish a definitive association between this variant and the reported condition. Therefore, this variant is classified as a variant of uncertain significance.

Ambry Genetics
Classification: Uncertain significance. Last evaluated: 2025-08-02. Review status: criteria provided, single submitter. Criteria: Ambry Variant Classification Scheme 2023. Collection method: clinical testing. Allele origin: germline.